The following is an entry in ClinVar:

NM_000051.4(ATM):c.5545_5564del (p.Asp1848_Ile1849insTer)

Gene: ATM (ATM serine/threonine kinase; plus strand). Cytogenetic location: 11q22.3.
Variant type: Deletion.
Coding change: c.5545_5564del on transcript NM_000051.4 (MANE Select); coding-DNA positions 5545 to 5564, 20 bases deleted (ATTTTACTCCAAGATACAAA).
Protein change: p.Asp1848_Ile1849insTer.
Molecular consequence: nonsense.
Genome position (GRCh38, 1-based): chr11:108,304,723-108,304,742, ATTTTACTCCAAGATACAAA deleted. VCF-style (leftmost placement, unchanged base first): chr11-108304722-TATTTTACTCCAAGATACAAA-T. GRCh37 (hg19) VCF-style: chr11-108175449-TATTTTACTCCAAGATACAAA-T.
Other names: c.5545_5564del, p.Asp1848_Ile1849insTer (NM_001351834.2).
Identifiers: ClinVar variation 3221900 (VCV003221900.1), dbSNP rs2546987189, ClinGen allele CA2825001907.
Genomic context (GRCh38, chr11:108,304,722, plus strand): 5'-TTGTATATTCTAGGTGAAAACTGACTTTTGTCAGACTGTACTTCCATACTTGATTCATGA[TATTTTACTCCAAGATACAAA>T]TGAATCATGGAGAAATCTGCTTTCTACACATGTTCAGGGATTTTTCACCAGCTGTCTTCG-3'

ClinVar aggregate classification (germline): Pathogenic (1 of 4 stars; one submission).

Conditions:
Hereditary cancer-predisposing syndrome. Also called: Tumor predisposition; Hereditary neoplastic syndrome; Hereditary Cancer Syndrome; Neoplastic Syndromes, Hereditary. Identifiers: Orphanet 140162, MedGen C0027672, MeSH D009386, MONDO:0015356.

Submission:

Ambry Genetics
Classification: Pathogenic for Hereditary cancer-predisposing syndrome. Last evaluated: 2023-11-15. Review status: criteria provided, single submitter. Criteria: Ambry Variant Classification Scheme 2023. Collection method: clinical testing. Allele origin: germline.
Comment: The c.5545_5564del20 pathogenic mutation, located in coding exon 36 of the ATM gene, results from a deletion of 20 nucleotides at nucleotide positions 5545 to 5564, causing a translational frameshift with a predicted alternate stop codon (p.I1849*). This alteration is expected to result in loss of function by premature protein truncation or nonsense-mediated mRNA decay. As such, this alteration is interpreted as a disease-causing mutation.